The following is an entry in ClinVar:

NC_000005.10:g.157460212C>A

Genes: NIPAL4 (NIPA like domain containing 4; plus strand), LOC129995124 (ATAC-STARR-seq lymphoblastoid silent region 16559; plus strand). Cytogenetic location: 5q33.3.
Variant type: single nucleotide variant.
Genome position: GRCh38 VCF-style: chr5-157460212-C-A. GRCh37 (hg19) VCF-style: chr5-156887220-C-A.
Identifiers: ClinVar variation 352505 (VCV000352505.16), dbSNP rs374248640, ClinGen allele CA3534482.

ClinVar aggregate classification (germline): Benign/Likely benign. Review status: criteria provided, multiple submitters, no conflicts (2 of 4 stars). 3 submissions from 3 submitters: Benign (1); Likely benign (2). Last evaluated 2026-01-31.

Conditions:
Autosomal recessive congenital ichthyosis 6 (ARCI6). Identifiers: Orphanet 313, Orphanet 79394, MedGen C2677065, MONDO:0012847, OMIM 612281.

Allele frequency attached by ClinVar (database versions not stated): 1000 Genomes Project 0.00040; 1000 Genomes Project 30x 0.00047; gnomAD 0.00068 and 0.00064; gnomAD exomes 0.00157; ExAC 0.00745; ESP Exome Variant Server 0.00051; TOPMed 0.00065.

Submissions (3):

Labcorp Genetics (formerly Invitae), Labcorp
Classification: Benign. Last evaluated: 2026-01-31. Review status: criteria provided, single submitter. Criteria: Invitae Variant Classification Sherloc (09022015). Collection method: clinical testing. Allele origin: germline.

Blueprint Genetics
Classification: Likely benign. Last evaluated: 2024-10-24. Review status: criteria provided, single submitter. Criteria: ACMG Guidelines, 2015. Collection method: clinical testing. Allele origin: germline.

Illumina Laboratory Services, Illumina
Classification: Likely benign for Autosomal recessive congenital ichthyosis 6. Last evaluated: 2018-01-12. Review status: criteria provided, single submitter. Criteria: ICSL Variant Classification Criteria 13 December 2019. Collection method: clinical testing. Allele origin: germline.
Comment: This variant was observed in the ICSL laboratory as part of a predisposition screen in an ostensibly healthy population. It had not been previously curated by ICSL or reported in the Human Gene Mutation Database (HGMD: prior to June 1st, 2018), and was therefore a candidate for classification through an automated scoring system. Utilizing variant allele frequency, disease prevalence and penetrance estimates, and inheritance mode, an automated score was calculated to assess if this variant is too frequent to cause the disease. Based on the score and internal cut-off values, a variant classified as likely benign is not then subjected to further curation. The score for this variant resulted in a classification of likely benign for this disease.